The following is an entry in ClinVar:

NM_002890.3(RASA1):c.1934+3A>C

Genes: CCNH (cyclin H; minus strand), RASA1 (RAS p21 protein activator 1; plus strand). Cytogenetic location: 5q14.3.
Variant type: single nucleotide variant.
Coding change: c.1934+3A>C on transcript NM_002890.3 (MANE Select); 3 bases into the intron after coding-DNA position 1934, A replaced by C.
Molecular consequence: intron variant.
Genome position (GRCh38, 1-based): chr5:87,374,323, A>C. VCF-style: chr5-87374323-A-C. GRCh37 (hg19) VCF-style: chr5-86670140-A-C.
Other names: c.1403+3A>C (NM_022650.3); c.933+20721T>G (NM_001364075.2).
Identifiers: ClinVar variation 489180 (VCV000489180.4), dbSNP rs1554049183, ClinGen allele CA658683394.

ClinVar aggregate classification (germline): Uncertain significance (1 of 4 stars; one submission).

Submission:

GeneDx
Classification: Uncertain significance. Last evaluated: 2018-12-19. Review status: criteria provided, single submitter. Criteria: GeneDx Variant Classification (06012015). Collection method: clinical testing. Allele origin: germline. Affected: yes.
Comment: A variant of uncertain significance has been identified in the RASA1 gene. The c.1934+3 A>C variant has not been published as pathogenic or been reported as benign to our knowledge. This variant is not observed in large population cohorts (Lek et al., 2016). Adenine (A) is conserved in mammals at this position and cytosine (C) is not tolerated in any species. Furthermore, in silico splice prediction programs predict this variant results in destruction of the splice donor site in intron 14 of the RASA1 gene. Additionally, other splice site variants have been reported in the Human Gene Mutation Database in association with CM-AVM (Stenson et al., 2014). Nevertheless, in the absence of functional mRNA studies, the physiological consequence of this variant cannot be precisely determined.